The following is an entry in ClinVar:

NM_013275.6(ANKRD11):c.2626C>T (p.Leu876Phe)

Gene: ANKRD11 (ankyrin repeat domain 11; minus strand). Cytogenetic location: 16q24.3.
Variant type: single nucleotide variant.
Coding change: c.2626C>T on transcript NM_013275.6 (MANE Select); coding-DNA position 2626, C replaced by T.
Protein change: p.Leu876Phe; replaces leucine 876 with phenylalanine.
Molecular consequence: missense variant.
Genome position (GRCh38, 1-based): chr16:89,283,916, G>A on the plus strand (C>T on the coding strand, the complement: ANKRD11 is on the minus strand). VCF-style: chr16-89283916-G-A. GRCh37 (hg19) VCF-style: chr16-89350324-G-A.
Other names: c.2626C>T, p.Leu876Phe (NM_001256182.2, NM_001256183.2); short protein forms L876F.
Identifiers: ClinVar variation 2647084 (VCV002647084.24), dbSNP rs2544240571, ClinGen allele CA397161935.
Genomic context (GRCh38, chr16:89,283,916, plus strand): 5'-CCCGGGCCCGGCTGTCCCGCCTCCTCTCCTTGCTGTCCTCCTTCACCGTCTCCAAGATGA[G>A]CTTGGCCACAGAGTCGCTCTTCATGTCCCTGTAGTCTGTCACTGGCGAGTCCCAGCTGTC-3'
Protein context (NP_037407.4, residues 866-886): RDMKSDSVAK[Leu876Phe]ILETVKEDSK

ClinVar aggregate classification (germline): Uncertain significance (1 of 4 stars; one submission).

Submission:

CeGaT Center for Human Genetics Tuebingen
Classification: Uncertain significance. Last evaluated: 2022-05-01. Review status: criteria provided, single submitter. Criteria: CeGaT Center For Human Genetics Tuebingen Variant Classification Criteria Version 2. Collection method: clinical testing. Allele origin: germline. Affected: yes. Observed: 1 variant allele.
Comment: ANKRD11: PM2, BP1